The following is an entry in ClinVar:

ClinVar aggregate classification (germline): Uncertain significance (1 of 4 stars; one submission).

gnomAD v4.1: 31 of 1,548,528 alleles (0.002%); highest among the groups gnomAD compares: Admixed American, 0.0059%; no homozygotes.

Submission:

Labcorp Genetics (formerly Invitae), Labcorp
Classification: Uncertain significance. Last evaluated: 2024-10-17. Review status: criteria provided, single submitter. Criteria: Invitae Variant Classification Sherloc (09022015). Collection method: clinical testing. Allele origin: germline.
Comment: This sequence change replaces serine, which is neutral and polar, with asparagine, which is neutral and polar, at codon 136 of the TMEM240 protein (p.Ser136Asn). This variant is present in population databases (no rsID available, gnomAD 0.01%). This variant has not been reported in the literature in individuals affected with TMEM240-related conditions. An algorithm developed to predict the effect of missense changes on protein structure and function outputs the following: PolyPhen-2: "Benign". The asparagine amino acid residue is found in multiple mammalian species, which suggests that this missense change does not adversely affect protein function. In summary, the available evidence is currently insufficient to determine the role of this variant in disease. Therefore, it has been classified as a Variant of Uncertain Significance.

NM_001114748.2(TMEM240):c.407G>A (p.Ser136Asn)

Gene: TMEM240 (transmembrane protein 240; minus strand). Cytogenetic location: 1p36.33.
Variant type: single nucleotide variant.
Coding change: c.407G>A on transcript NM_001114748.2 (MANE Select); coding-DNA position 407, G replaced by A.
Protein change: p.Ser136Asn; replaces serine 136 with asparagine.
Molecular consequence: missense variant.
Genome position (GRCh38, 1-based): chr1:1,535,474, C>T on the plus strand (G>A on the coding strand, the complement: TMEM240 is on the minus strand). VCF-style: chr1-1535474-C-T. GRCh37 (hg19) VCF-style: chr1-1470854-C-T.
Other names: short protein forms S136N.
Identifiers: ClinVar variation 3603742 (VCV003603742.2).